The following is an entry in ClinVar:

NC_000005.10:g.112707361_112707362delinsGG

Gene: APC (APC regulator of Wnt signaling pathway; plus strand). Cytogenetic location: 5q22.2.
Variant type: Indel.
Genome position: GRCh38 VCF-style: chr5-112707361-CT-GG. GRCh37 (hg19) VCF-style: chr5-112043058-CT-GG.
Identifiers: ClinVar variation 1057347 (VCV001057347.8), dbSNP rs1750551900, ClinGen allele CA2499217367.

ClinVar aggregate classification (germline): Uncertain significance (1 of 4 stars; one submission).

Conditions:
Familial adenomatous polyposis 1 (FAP1). Also called: FAMILIAL ADENOMATOUS POLYPOSIS 1, ATTENUATED; POLYPOSIS, ADENOMATOUS INTESTINAL. Identifiers: MedGen C2713442, MONDO:0021056, OMIM 175100. Disease mechanism: loss of function.

Submission:

Labcorp Genetics (formerly Invitae), Labcorp
Classification: Uncertain significance for Familial adenomatous polyposis 1. Last evaluated: 2025-11-10. Review status: criteria provided, single submitter. Criteria: Invitae Variant Classification Sherloc (09022015). Collection method: clinical testing. Allele origin: germline.
Comment: This variant occurs in a non-coding region of the APC gene. It does not change the encoded amino acid sequence of the APC protein. Information on the frequency of this variant in the gnomAD database is not available, as this variant may be reported differently in the database. This variant has not been reported in the literature in individuals affected with APC-related conditions. Experimental studies and prediction algorithms are not available or were not evaluated, and the functional significance of this variant is currently unknown. In summary, the available evidence is currently insufficient to determine the role of this variant in disease. Therefore, it has been classified as a Variant of Uncertain Significance.